The following is an entry in ClinVar:

NM_000059.4(BRCA2):c.207_210del (p.Ser70fs)

Gene: BRCA2 (BRCA2 DNA repair associated; plus strand). Cytogenetic location: 13q13.1.
Variant type: Deletion.
Coding change: c.207_210del on transcript NM_000059.4 (MANE Select); coding-DNA positions 207 to 210, 4 bases deleted (ATCT; older notation c.207_210delATCT).
Protein change: p.Ser70fs; shifts the reading frame from serine 70.
Molecular consequence: frameshift variant.
Genome position (GRCh38, 1-based): chr13:32,319,216-32,319,219, ATCT deleted. VCF-style (leftmost placement, unchanged base first): chr13-32319215-CATCT-C. GRCh37 (hg19) VCF-style: chr13-32893352-CATCT-C.
Other names: short protein forms S70fs.
Identifiers: ClinVar variation 1380361 (VCV001380361.6), dbSNP rs2138704850, ClinGen allele CA2573149293.

ClinVar aggregate classification (germline): Pathogenic (1 of 4 stars; one submission).

Conditions:
Hereditary breast ovarian cancer syndrome. Also called: Hereditary breast and ovarian cancer syndrome (HBOC); Breast and ovarian cancer; BRCA1- and BRCA2-Associated Hereditary Breast and Ovarian Cancer; Hereditary breast and ovarian cancer; Hereditary breast and ovarian cancer syndrome; Hereditary breast and/or ovarian cancer syndrome. Identifiers: Orphanet 145, MedGen C0677776, MeSH D061325, MONDO:0003582. Disease mechanism: loss of function.

Submission:

Labcorp Genetics (formerly Invitae), Labcorp
Classification: Pathogenic for Hereditary breast ovarian cancer syndrome. Last evaluated: 2024-12-07. Review status: criteria provided, single submitter. Criteria: Invitae Variant Classification Sherloc (09022015). Collection method: clinical testing. Allele origin: germline.
Comment: This sequence change creates a premature translational stop signal (p.Ser70Ilefs*9) in the BRCA2 gene. It is expected to result in an absent or disrupted protein product. Loss-of-function variants in BRCA2 are known to be pathogenic (PMID: 20104584). This variant is not present in population databases (gnomAD no frequency). This variant has not been reported in the literature in individuals affected with BRCA2-related conditions. ClinVar contains an entry for this variant (Variation ID: 1380361). Algorithms developed to predict the effect of sequence changes on RNA splicing suggest that this variant may disrupt the consensus splice site. For these reasons, this variant has been classified as Pathogenic.

Literature cited by the submitters: PubMed 20104584.